The following is an entry in ClinVar:

ClinVar aggregate classification (germline): Benign. Review status: criteria provided, multiple submitters, no conflicts (2 of 4 stars). 2 submissions from 2 submitters: Benign (2). Last evaluated 2018-06-18.

Allele frequency attached by ClinVar (database versions not stated): gnomAD exomes 0.10000; 1000 Genomes Project 0.18470; 1000 Genomes Project 30x 0.19269; gnomAD 0.22052 and 0.22856; TOPMed 0.22470.

Submissions (2):

GeneDx
Classification: Benign. Last evaluated: 2018-06-18. Review status: criteria provided, single submitter. Criteria: GeneDx Variant Classification (06012015). Collection method: clinical testing. Allele origin: germline. Affected: yes.
Comment: This variant is considered likely benign or benign based on one or more of the following criteria: it is a conservative change, it occurs at a poorly conserved position in the protein, it is predicted to be benign by multiple in silico algorithms, and/or has population frequency not consistent with disease.

Breakthrough Genomics
Classification: Benign. Review status: criteria provided, single submitter. Criteria: ACMG Guidelines, 2015. Collection method: not provided. Allele origin: germline. Inheritance: Autosomal dominant inheritance. Affected: yes.

NM_005477.2(HCN4):c.-1076A>C

Gene: HCN4 (hyperpolarization activated cyclic nucleotide gated potassium channel 4; minus strand). Cytogenetic location: 15q24.1.
Variant type: single nucleotide variant.
Coding change: c.-1076A>C on transcript NM_005477.2; 1076 bases upstream of the start codon, A replaced by C.
Genome position (GRCh38, 1-based): chr15:73,369,346, T>G on the plus strand (A>C on the coding strand, the complement: HCN4 is on the minus strand). VCF-style: chr15-73369346-T-G. GRCh37 (hg19) VCF-style: chr15-73661687-T-G.
Identifiers: ClinVar variation 683544 (VCV000683544.4), dbSNP rs7172796, ClinGen allele CA14086107.